The following is an entry in ClinVar:

NM_021939.4(FKBP10):c.1321A>G (p.Thr441Ala)

Gene: FKBP10 (FKBP prolyl isomerase 10; plus strand). Cytogenetic location: 17q21.2.
Variant type: single nucleotide variant.
Coding change: c.1321A>G on transcript NM_021939.4 (MANE Select); coding-DNA position 1321, A replaced by G.
Protein change: p.Thr441Ala; replaces threonine 441 with alanine.
Molecular consequence: missense variant.
Genome position (GRCh38, 1-based): chr17:41,821,011, A>G. VCF-style: chr17-41821011-A-G. GRCh37 (hg19) VCF-style: chr17-39977263-A-G.
Other names: short protein forms T441A.
Identifiers: ClinVar variation 3665611 (VCV003665611.1).

ClinVar aggregate classification (germline): Uncertain significance (1 of 4 stars; one submission).

gnomAD v4.1: 6 of 1,604,596 alleles (0.00037%); highest among the groups gnomAD compares: Non-Finnish European, 0.00051%; no homozygotes.

Submission:

Labcorp Genetics (formerly Invitae), Labcorp
Classification: Uncertain significance. Last evaluated: 2024-12-10. Review status: criteria provided, single submitter. Criteria: Invitae Variant Classification Sherloc (09022015). Collection method: clinical testing. Allele origin: germline.
Comment: This sequence change replaces threonine, which is neutral and polar, with alanine, which is neutral and non-polar, at codon 441 of the FKBP10 protein (p.Thr441Ala). This variant is present in population databases (no rsID available, gnomAD 0.007%). This variant has not been reported in the literature in individuals affected with FKBP10-related conditions. Invitae Evidence Modeling of protein sequence and biophysical properties (such as structural, functional, and spatial information, amino acid conservation, physicochemical variation, residue mobility, and thermodynamic stability) indicates that this missense variant is not expected to disrupt FKBP10 protein function with a negative predictive value of 80%. In summary, the available evidence is currently insufficient to determine the role of this variant in disease. Therefore, it has been classified as a Variant of Uncertain Significance.